The following is an entry in ClinVar:

ClinVar aggregate classification (germline): Likely benign. Review status: criteria provided, multiple submitters, no conflicts (2 of 4 stars). 2 submissions from 2 submitters: Likely benign (2). Last evaluated 2025-10-04.

Conditions:
TTN-related disorder. Also called: TTN-related disorders; TTN-related condition; TTN-related disease.
Dilated cardiomyopathy 1G (CMD1G). Identifiers: Orphanet 154, MedGen C1858763, MONDO:0011400, OMIM 604145.
Autosomal recessive limb-girdle muscular dystrophy type 2J (LGMDR10). Also called: Limb-girdle muscular dystrophy, type 2J; MUSCULAR DYSTROPHY, LIMB-GIRDLE, AUTOSOMAL RECESSIVE 10. Identifiers: Orphanet 140922, MedGen C1837342, MONDO:0012127, OMIM 608807.

Allele frequency attached by ClinVar (database versions not stated): gnomAD 0.00001; TOPMed 0.00002; ESP Exome Variant Server 0.00008.
gnomAD v4.1: 5 of 1,613,892 alleles (0.00031%); highest among the groups gnomAD compares: African/African-American, 0.0053%; no homozygotes.

Submissions (2):

PreventionGenetics, part of Exact Sciences
Classification: Likely benign for TTN-related condition. Last evaluated: 2025-10-04. Review status: criteria provided, single submitter. Criteria: ACMG Guidelines, 2015. Collection method: clinical testing. Allele origin: germline.
Comment: This variant is classified as likely benign based on ACMG/AMP sequence variant interpretation guidelines (Richards et al. 2015 PMID: 25741868, with internal and published modifications).

Labcorp Genetics (formerly Invitae), Labcorp
Classification: Likely benign for Dilated cardiomyopathy 1G; Autosomal recessive limb-girdle muscular dystrophy type 2J. Last evaluated: 2024-10-18. Review status: criteria provided, single submitter. Criteria: Invitae Variant Classification Sherloc (09022015). Collection method: clinical testing. Allele origin: germline.

NM_001267550.2(TTN):c.295+8G>T

Gene: TTN (titin; minus strand). Cytogenetic location: 2q31.2.
Variant type: single nucleotide variant.
Coding change: c.295+8G>T on transcript NM_001267550.2 (MANE Select); 8 bases into the intron after coding-DNA position 295, G replaced by T.
Molecular consequence: intron variant.
Genome position (GRCh38, 1-based): chr2:178,802,130, C>A on the plus strand (G>T on the coding strand, the complement: TTN is on the minus strand). VCF-style: chr2-178802130-C-A. GRCh37 (hg19) VCF-style: chr2-179666857-C-A.
Other names: c.295+8G>T (NM_003319.4, NM_133437.4, NM_133432.3 and 3 more transcripts).
Identifiers: ClinVar variation 757211 (VCV000757211.12), dbSNP rs372054167, ClinGen allele CA60988916.